The following is an entry in ClinVar:

NM_015295.3(SMCHD1):c.3179G>T (p.Trp1060Leu)

Gene: SMCHD1 (structural maintenance of chromosomes flexible hinge domain containing 1; plus strand). Cytogenetic location: 18p11.32.
Variant type: single nucleotide variant.
Coding change: c.3179G>T on transcript NM_015295.3 (MANE Select); coding-DNA position 3179, G replaced by T.
Protein change: p.Trp1060Leu; replaces tryptophan 1060 with leucine.
Molecular consequence: missense variant.
Genome position (GRCh38, 1-based): chr18:2,732,395, G>T. VCF-style: chr18-2732395-G-T. GRCh37 (hg19) VCF-style: chr18-2732393-G-T.
Other names: short protein forms W1060L.
Identifiers: ClinVar variation 3682774 (VCV003682774.2).

ClinVar aggregate classification (germline): Uncertain significance (1 of 4 stars; one submission).

Conditions:
Facioscapulohumeral muscular dystrophy 2 (FSHD2). Also called: MUSCULAR DYSTROPHY, FACIOSCAPULOHUMERAL, TYPE 1B; FACIOSCAPULOHUMERAL MUSCULAR DYSTROPHY 2, DIGENIC; FSHD2, DIGENIC. Identifiers: Orphanet 269, MedGen C1834671, MONDO:0008031, OMIM 158901.

gnomAD v4.1: 2 of 1,613,504 alleles (0.00012%); highest among the groups gnomAD compares: Admixed American, 0.0017%; no homozygotes.

Submission:

Labcorp Genetics (formerly Invitae), Labcorp
Classification: Uncertain significance for Facioscapulohumeral muscular dystrophy 2. Last evaluated: 2024-07-03. Review status: criteria provided, single submitter. Criteria: Invitae Variant Classification Sherloc (09022015). Collection method: clinical testing. Allele origin: germline.
Comment: This sequence change replaces tryptophan, which is neutral and slightly polar, with leucine, which is neutral and non-polar, at codon 1060 of the SMCHD1 protein (p.Trp1060Leu). This variant is present in population databases (no rsID available, gnomAD 0.003%). This variant has not been reported in the literature in individuals affected with SMCHD1-related conditions. Advanced modeling of protein sequence and biophysical properties (such as structural, functional, and spatial information, amino acid conservation, physicochemical variation, residue mobility, and thermodynamic stability) has been performed at Invitae for this missense variant, however the output from this modeling did not meet the statistical confidence thresholds required to predict the impact of this variant on SMCHD1 protein function. In summary, the available evidence is currently insufficient to determine the role of this variant in disease. Therefore, it has been classified as a Variant of Uncertain Significance.